The following is an entry in ClinVar:

ClinVar aggregate classification (germline): Uncertain significance. Review status: criteria provided, multiple submitters, no conflicts (2 of 4 stars). 2 submissions from 2 submitters: Uncertain significance (2). Last evaluated 2025-10-02.

Allele frequency attached by ClinVar (database versions not stated): gnomAD 0.00001 and 0.00002; gnomAD exomes 0.00003 and 0.00006; ExAC 0.00005; TOPMed 0.00005; 1000 Genomes Project 30x 0.00016; 1000 Genomes Project 0.00020.

Submissions (2):

Labcorp Genetics (formerly Invitae), Labcorp
Classification: Uncertain significance. Last evaluated: 2025-10-02. Review status: criteria provided, single submitter. Criteria: Invitae Variant Classification Sherloc (09022015). Collection method: clinical testing. Allele origin: germline.
Comment: This sequence change replaces arginine, which is basic and polar, with glutamine, which is neutral and polar, at codon 665 of the ANKZF1 protein (p.Arg665Gln). This variant is present in population databases (rs535371346, gnomAD 0.01%). This variant has not been reported in the literature in individuals affected with ANKZF1-related conditions. ClinVar contains an entry for this variant (Variation ID: 1435795). An algorithm developed to predict the effect of missense changes on protein structure and function (PolyPhen-2) suggests that this variant is likely to be tolerated. In summary, the available evidence is currently insufficient to determine the role of this variant in disease. Therefore, it has been classified as a Variant of Uncertain Significance.

Ambry Genetics
Classification: Uncertain significance. Last evaluated: 2021-10-26. Review status: criteria provided, single submitter. Criteria: Ambry Variant Classification Scheme 2023. Collection method: clinical testing. Allele origin: germline.

NM_018089.3(ANKZF1):c.1994G>A (p.Arg665Gln)

Gene: ANKZF1 (ankyrin repeat and zinc finger peptidyl tRNA hydrolase 1; plus strand). Cytogenetic location: 2q35.
Variant type: single nucleotide variant.
Coding change: c.1994G>A on transcript NM_018089.3 (MANE Select); coding-DNA position 1994, G replaced by A.
Protein change: p.Arg665Gln; replaces arginine 665 with glutamine.
Molecular consequence: missense variant.
Genome position (GRCh38, 1-based): chr2:219,236,032, G>A. VCF-style: chr2-219236032-G-A. GRCh37 (hg19) VCF-style: chr2-220100754-G-A.
Other names: c.1994G>A (NM_018089.2); c.1994G>A, p.Arg665Gln (NM_001042410.2); c.1364G>A, p.Arg455Gln (NM_001282792.2); short protein forms R455Q, R665Q.
Identifiers: ClinVar variation 1435795 (VCV001435795.7), dbSNP rs535371346, ClinGen allele CA2121276.
Genomic context (GRCh38, chr2:219,236,032, plus strand): 5'-ACTGGGGCCTTGTCCTTAACACAACTTGTCTCCCTCAGAGAGCTCTGGCTGCAGAGCGCC[G>A]ACTCGCTGCCCAGTTGGGAGCCCCTACCTCTCCAATCCCTGACTCTGCAATCGTCAATAC-3'
Protein context (NP_060559.2, residues 655-675): REKRALAAER[Arg665Gln]LAAQLGAPTS